The following is an entry in ClinVar:

ClinVar aggregate classification (germline): Uncertain significance (1 of 4 stars; one submission).

Submission:

Women's Health and Genetics/Laboratory Corporation of America, LabCorp
Classification: Uncertain significance. Last evaluated: 2025-12-10. Review status: criteria provided, single submitter. Criteria: LabCorp Variant Classification Summary - May 2015. Collection method: clinical testing. Allele origin: germline.
Comment: Variant summary: NPC1 c.1655A>T (p.Asp552Val) results in a non-conservative amino acid change in the encoded protein sequence. Algorithms developed to predict the effect of missense changes on protein structure and function all suggest that this variant is likely to be disruptive. Consensus agreement among computation tools predict no significant impact on normal splicing. However, these predictions have yet to be confirmed by functional studies. The variant was absent in 251108 control chromosomes. The available data on variant occurrences in the general population are insufficient to allow any conclusion about variant significance. To our knowledge, no occurrence of c.1655A>T in individuals affected with NPC1-related conditions and no experimental evidence demonstrating its impact on protein function have been reported. No submitters have cited clinical-significance assessments for this variant to ClinVar. Based on the evidence outlined above, the variant was classified as uncertain significance.

NM_000271.5(NPC1):c.1655A>T (p.Asp552Val)

Gene: NPC1 (NPC intracellular cholesterol transporter 1; minus strand). Cytogenetic location: 18q11.2.
Variant type: single nucleotide variant.
Coding change: c.1655A>T on transcript NM_000271.5 (MANE Select); coding-DNA position 1655, A replaced by T.
Protein change: p.Asp552Val; replaces aspartic acid 552 with valine.
Molecular consequence: missense variant.
Genome position (GRCh38, 1-based): chr18:23,548,108, T>A on the plus strand (A>T on the coding strand, the complement: NPC1 is on the minus strand). VCF-style: chr18-23548108-T-A. GRCh37 (hg19) VCF-style: chr18-21128072-T-A.
Other names: short protein forms D552V.
Identifiers: ClinVar variation 4688416 (VCV004688416.1).